The following is an entry in ClinVar:

ClinVar aggregate classification (germline): Conflicting classifications of pathogenicity. Review status: criteria provided, conflicting classifications (1 of 4 stars). 2 submissions from 2 submitters: Uncertain significance (1); Benign (1). Last evaluated 2023-03-10.

Allele frequency attached by ClinVar (database versions not stated): gnomAD exomes below 0.00001.
gnomAD v4.1: 4 of 1,614,188 alleles (0.00025%); highest among the groups gnomAD compares: Non-Finnish European, 0.00034%; no homozygotes.

Submissions (2):

GeneDx
Classification: Uncertain significance. Last evaluated: 2023-03-10. Review status: criteria provided, single submitter. Criteria: GeneDx Variant Classification Process June 2021. Collection method: clinical testing. Allele origin: germline. Affected: yes.
Comment: Not observed at significant frequency in large population cohorts (gnomAD); In silico analysis supports that this missense variant has a deleterious effect on protein structure/function; Has not been previously published as pathogenic or benign to our knowledge

Labcorp Genetics (formerly Invitae), Labcorp
Classification: Benign. Last evaluated: 2022-11-08. Review status: criteria provided, single submitter. Criteria: Invitae Variant Classification Sherloc (09022015). Collection method: clinical testing. Allele origin: germline.

NM_001375524.1(TRRAP):c.4415G>A (p.Arg1472His)

Gene: TRRAP (transformation/transcription domain associated protein; plus strand). Cytogenetic location: 7q22.1.
Variant type: single nucleotide variant.
Coding change: c.4415G>A on transcript NM_001375524.1 (MANE Select); coding-DNA position 4415, G replaced by A.
Protein change: p.Arg1472His; replaces arginine 1472 with histidine.
Molecular consequence: missense variant.
Genome position (GRCh38, 1-based): chr7:98,942,959, G>A. VCF-style: chr7-98942959-G-A. GRCh37 (hg19) VCF-style: chr7-98540582-G-A.
Other names: c.4415G>A (NM_003496.3); c.4415G>A, p.Arg1472His (NM_001244580.2, NM_003496.4); short protein forms R1472H.
Identifiers: ClinVar variation 2033219 (VCV002033219.5), dbSNP rs2484824389, ClinGen allele CA368309328.
Genomic context (GRCh38, chr7:98,942,959, plus strand): 5'-TGGAATGCACCTACTGTGAAGTTGTGTCTCAGGATGTGTTTTTCCAACAGCAACATCTGC[G>A]CAAGTGGATGGAAGTGGTGGTGATCACCCACAAAGGGGGCCAGAGGAGCGACGGAAACGT-3'
Protein context (NP_001362453.1, residues 1462-1482): KFCDQMMQHL[Arg1472His]KWMEVVVITH